The following is an entry in ClinVar:

NM_002878.4(RAD51D):c.351T>C (p.Cys117=)

Genes: RAD51D (RAD51 paralog D; minus strand), RAD51L3-RFFL (RAD51L3-RFFL readthrough; minus strand). Cytogenetic location: 17q12.
Variant type: single nucleotide variant.
Coding change: c.351T>C on transcript NM_002878.4 (MANE Select); coding-DNA position 351, T replaced by C.
Protein change: p.Cys117=; no amino-acid change (cysteine 117 retained).
Molecular consequence: synonymous variant. On other transcripts: non-coding transcript variant (1), intron variant (1).
Genome position (GRCh38, 1-based): chr17:35,107,117, A>G on the plus strand (T>C on the coding strand, the complement: RAD51D is on the minus strand). VCF-style: chr17-35107117-A-G. GRCh37 (hg19) VCF-style: chr17-33434136-A-G.
Other names: c.411T>C, p.Cys137= (NM_001142571.2); c.145-636T>C (NM_133629.3).
Identifiers: ClinVar variation 3903817 (VCV003903817.1).

ClinVar aggregate classification (germline): Benign (1 of 4 stars; one submission).

Conditions:
Breast-ovarian cancer, familial, susceptibility to, 4. Identifiers: Orphanet 145, MedGen C3280345, MONDO:0013669, OMIM 614291.

Submission:

Myriad Genetics, Inc.
Classification: Benign for Breast-ovarian cancer, familial, susceptibility to, 4. Last evaluated: 2025-02-21. Review status: criteria provided, single submitter. Criteria: Myriad Autosomal Dominant, Autosomal Recessive and X-Linked Classification Criteria (2023). Collection method: clinical testing. Allele origin: unknown.
Comment: This variant is considered benign. This variant is a silent/synonymous amino acid change and it is not expected to impact splicing.